The following is an entry in ClinVar:

ClinVar aggregate classification (germline): Benign (1 of 4 stars; one submission).

Submission:

ISCA site 4
Classification: Benign. Last evaluated: 2011-08-12. Review status: criteria provided, single submitter. Criteria: Kaminsky et al. (Genet Med. 2011). Collection method: clinical testing. Allele origin: unknown. Affected: yes. Observed: 17 variant alleles. Clinical features observed: Abnormality of the nervous system (HP:0000707), Developmental delay AND/OR other significant developmental or morphological phenotypes, Feeding difficulties in infancy (HP:0002022), Intellectual disability (HP:0001249), Abnormal facial shape (HP:0002260), Abnormality of the mouth (HP:0000153), Seizure (HP:0001250), Global developmental delay (HP:0001263), Muscular hypotonia (HP:0001252).
Comment: Copy number variation identified through the course of routine clinical cytogenomic testing in postnatal populations. Clinical assertions have been curated as described in Kaminsky et al. 2011.

GRCh38/hg38 6p25.3(chr6:259528-307998)x3

Genes: DUSP22 (dual specificity phosphatase 22; plus strand), LOC129995536 (ATAC-STARR-seq lymphoblastoid active region 23815; plus strand), LOC129995537 (ATAC-STARR-seq lymphoblastoid active region 23816; plus strand), LOC129995538 (ATAC-STARR-seq lymphoblastoid active region 23818; plus strand), LOC129995539 (ATAC-STARR-seq lymphoblastoid active region 23819; plus strand) and 3 more. Cytogenetic location: 6p25.3.
Variant type: copy number gain.
Change: copy number 3 (three copies instead of two) of chr6:259,528-307,998 (48.5 kb, GRCh38 coordinates, 1-based), cytogenetic band 6p25.3.
Identifiers: ClinVar variation 160990 (VCV000160990.1).